The following is an entry in ClinVar:

NM_006302.3(MOGS):c.328C>G (p.Arg110Gly)

Gene: MOGS (mannosyl-oligosaccharide glucosidase; minus strand). Cytogenetic location: 2p13.1.
Variant type: single nucleotide variant.
Coding change: c.328C>G on transcript NM_006302.3 (MANE Select); coding-DNA position 328, C replaced by G.
Protein change: p.Arg110Gly; replaces arginine 110 with glycine.
Molecular consequence: missense variant.
Genome position (GRCh38, 1-based): chr2:74,464,920, G>C on the plus strand (C>G on the coding strand, the complement: MOGS is on the minus strand). VCF-style: chr2-74464920-G-C. GRCh37 (hg19) VCF-style: chr2-74692047-G-C.
Other names: c.10C>G, p.Arg4Gly (NM_001146158.2); short protein forms R110G, R4G.
Identifiers: ClinVar variation 4746421 (VCV004746421.1).

ClinVar aggregate classification (germline): Uncertain significance (1 of 4 stars; one submission).

Conditions:
MOGS-congenital disorder of glycosylation. Also called: MOGS-CDG; CDG 2B; CDG IIb; GLUCOSIDASE I DEFICIENCY. Identifiers: Orphanet 79330, MedGen C1853736, MONDO:0011629, OMIM 606056.

Submission:

Labcorp Genetics (formerly Invitae), Labcorp
Classification: Uncertain significance for MOGS-congenital disorder of glycosylation. Last evaluated: 2025-02-20. Review status: criteria provided, single submitter. Criteria: Invitae Variant Classification Sherloc (09022015). Collection method: clinical testing. Allele origin: germline.
Comment: This sequence change replaces arginine, which is basic and polar, with glycine, which is neutral and non-polar, at codon 110 of the MOGS protein (p.Arg110Gly). This variant is not present in population databases (gnomAD no frequency). This variant has not been reported in the literature in individuals affected with MOGS-related conditions. Invitae Evidence Modeling of protein sequence and biophysical properties (such as structural, functional, and spatial information, amino acid conservation, physicochemical variation, residue mobility, and thermodynamic stability) indicates that this missense variant is expected to disrupt MOGS protein function with a positive predictive value of 80%. In summary, the available evidence is currently insufficient to determine the role of this variant in disease. Therefore, it has been classified as a Variant of Uncertain Significance.